The following is an entry in ClinVar:

NM_015192.4(PLCB1):c.3428_3429delinsCC (p.Gln1143Pro)

Gene: PLCB1 (phospholipase C beta 1; plus strand). Cytogenetic location: 20p12.3.
Variant type: Indel.
Coding change: c.3428_3429delinsCC on transcript NM_015192.4 (MANE Select); coding-DNA positions 3428 to 3429, AG replaced by CC.
Protein change: p.Gln1143Pro; replaces glutamine 1143 with proline.
Molecular consequence: missense variant. On other transcripts: 3 prime UTR variant (1).
Genome position (GRCh38, 1-based): chr20:8,881,626-8,881,627, AG replaced by CC. VCF-style: chr20-8881626-AG-CC. GRCh37 (hg19) VCF-style: chr20-8862273-AG-CC.
Other names: c.*24_*25delinsCC (NM_182734.3); short protein forms Q1143P.
Identifiers: ClinVar variation 3573598 (VCV003573598.1).
Genomic context (GRCh38, chr20:8,881,626, plus strand): 5'-AGTGGGTATAGAAACATAAACAACTTCAAGTCATCTCCCCTCTTGATGTCTCTCAGCTGC[AG>CC]GTGGAGCTGGAGCAAGAATACCAAGACAAATTCAAAAGACTGCCCCTCGAGATTTTGGAA-3'
Protein context (NP_056007.1, residues 1133-1153): QQILDEKPKL[Gln1143Pro]VELEQEYQDK

ClinVar aggregate classification (germline): Uncertain significance (1 of 4 stars; one submission).

Submission:

GeneDx
Classification: Uncertain significance. Last evaluated: 2024-07-16. Review status: criteria provided, single submitter. Criteria: GeneDx Variant Classification Process June 2021. Collection method: clinical testing. Allele origin: germline. Affected: yes.
Comment: Not observed at significant frequency in large population cohorts (gnomAD); In silico analysis supports a deleterious effect on protein structure/function; Has not been previously published as pathogenic or benign to our knowledge